The following is an entry in ClinVar:

ClinVar aggregate classification (germline): Uncertain significance (1 of 4 stars; one submission).

Conditions:
Cardiovascular phenotype. Identifiers: MedGen CN230736.

Submission:

Ambry Genetics
Classification: Uncertain significance for Cardiovascular phenotype. Last evaluated: 2022-02-08. Review status: criteria provided, single submitter. Criteria: Ambry Variant Classification Scheme 2023. Collection method: clinical testing. Allele origin: germline.
Comment: The p.A263V variant (also known as c.788C>T), located in coding exon 2 of the KCNJ8 gene, results from a C to T substitution at nucleotide position 788. The alanine at codon 263 is replaced by valine, an amino acid with similar properties. This amino acid position is conserved. In addition, this alteration is predicted to be deleterious by in silico analysis. Since supporting evidence is limited at this time, the clinical significance of this alteration remains unclear.

NM_004982.4(KCNJ8):c.788C>T (p.Ala263Val)

Genes: KCNJ8 (potassium inwardly rectifying channel subfamily J member 8; minus strand), KCNJ8-AS1 (KCNJ8 antisense RNA 1; plus strand). Cytogenetic location: 12p12.1.
Variant type: single nucleotide variant.
Coding change: c.788C>T on transcript NM_004982.4 (MANE Select); coding-DNA position 788, C replaced by T.
Protein change: p.Ala263Val; replaces alanine 263 with valine.
Molecular consequence: missense variant.
Genome position (GRCh38, 1-based): chr12:21,766,210, G>A on the plus strand (C>T on the coding strand, the complement: KCNJ8 is on the minus strand). VCF-style: chr12-21766210-G-A. GRCh37 (hg19) VCF-style: chr12-21919144-G-A.
Identifiers: ClinVar variation 1761039 (VCV001761039.2), dbSNP rs2540720770, ClinGen allele CA384124298.